The following is an entry in ClinVar:

NM_001291303.3(FAT4):c.12480-10T>C

Gene: FAT4 (FAT atypical cadherin 4; plus strand). Cytogenetic location: 4q28.1.
Variant type: single nucleotide variant.
Coding change: c.12480-10T>C on transcript NM_001291303.3 (MANE Select); 10 bases into the intron before coding-DNA position 12480, T replaced by C.
Molecular consequence: intron variant.
Genome position (GRCh38, 1-based): chr4:125,479,731, T>C. VCF-style: chr4-125479731-T-C. GRCh37 (hg19) VCF-style: chr4-126400886-T-C.
Other names: c.12480-10T>C (NM_001291285.3); c.12474-10T>C (NM_024582.6).
Identifiers: ClinVar variation 3652421 (VCV003652421.2).

ClinVar aggregate classification (germline): Uncertain significance (1 of 4 stars; one submission).

Submission:

Labcorp Genetics (formerly Invitae), Labcorp
Classification: Uncertain significance. Last evaluated: 2024-05-06. Review status: criteria provided, single submitter. Criteria: Invitae Variant Classification Sherloc (09022015). Collection method: clinical testing. Allele origin: germline.
Comment: This sequence change falls in intron 13 of the FAT4 gene. It does not directly change the encoded amino acid sequence of the FAT4 protein. This variant is not present in population databases (gnomAD no frequency). This variant has not been reported in the literature in individuals affected with FAT4-related conditions. Algorithms developed to predict the effect of sequence changes on RNA splicing suggest that this variant may disrupt the consensus splice site. In summary, the available evidence is currently insufficient to determine the role of this variant in disease. Therefore, it has been classified as a Variant of Uncertain Significance.